The following is an entry in ClinVar:

ClinVar aggregate classification (germline): Uncertain significance (1 of 4 stars; one submission).

Conditions:
Cardiovascular phenotype. Identifiers: MedGen CN230736.

gnomAD v4.1: 1 of 1,614,038 alleles (0.000062%); highest among the groups gnomAD compares: Non-Finnish European, 0.000085%; no homozygotes.

Submission:

Ambry Genetics
Classification: Uncertain significance for Cardiovascular phenotype. Last evaluated: 2025-12-18. Review status: criteria provided, single submitter. Criteria: Ambry Variant Classification Scheme 2023. Collection method: clinical testing. Allele origin: germline.
Comment: The p.A119T variant (also known as c.355G>A), located in coding exon 3 of the ENG gene, results from a G to A substitution at nucleotide position 355. The alanine at codon 119 is replaced by threonine, an amino acid with similar properties. This amino acid position is conserved. In addition, this alteration is predicted to be tolerated by in silico analysis. Based on the available evidence, the clinical significance of this variant remains unclear.

NM_001114753.3(ENG):c.355G>A (p.Ala119Thr)

Gene: ENG (endoglin; minus strand). Cytogenetic location: 9q34.11.
Variant type: single nucleotide variant.
Coding change: c.355G>A on transcript NM_001114753.3 (MANE Select); coding-DNA position 355, G replaced by A.
Protein change: p.Ala119Thr; replaces alanine 119 with threonine.
Molecular consequence: missense variant. On other transcripts: 5 prime UTR variant (1).
Genome position (GRCh38, 1-based): chr9:127,829,692, C>T on the plus strand (G>A on the coding strand, the complement: ENG is on the minus strand). VCF-style: chr9-127829692-C-T. GRCh37 (hg19) VCF-style: chr9-130591971-C-T.
Other names: c.355G>A, p.Ala119Thr (NM_001406715.1, NM_000118.4); c.-192G>A (NM_001278138.2); short protein forms A119T.
Identifiers: ClinVar variation 4843432 (VCV004843432.1).